The following is an entry in ClinVar:

ClinVar aggregate classification (germline): Likely pathogenic (1 of 4 stars; one submission).

Conditions:
Autosomal recessive Alport syndrome (ATS2). Also called: ALPORT SYNDROME 2, AUTOSOMAL RECESSIVE; Alport syndrome type 2; COL4A4 Alport Syndrome and Thin Basement Membrane Nephropathy; COL4A3-Related Nephropathy. Identifiers: Orphanet 63, Orphanet 88919, MedGen C4746745, MONDO:0008762, OMIM 203780.

Submission:

Myriad Genetics, Inc.
Classification: Likely pathogenic for Autosomal recessive Alport syndrome. Last evaluated: 2019-04-23. Review status: criteria provided, single submitter. Criteria: Myriad Women's Health Autosomal Recessive and X-Linked Classification Criteria (2019). Collection method: clinical testing. Allele origin: unknown.
Comment: NM_000092.4(COL4A4):c.1685C>A(S562*) is expected to be pathogenic in the context of COL4A4-related Alport syndrome. This variant is predicted to lead to an abnormal or absent protein product due to the creation of a premature termination codon in COL4A4, a gene where loss-of-function variants are known to be pathogenic. Please note: this variant was assessed in the context of healthy population screening.

NM_000092.5(COL4A4):c.1685C>A (p.Ser562Ter)

Gene: COL4A4 (collagen type IV alpha 4 chain; minus strand). Cytogenetic location: 2q36.3.
Variant type: single nucleotide variant.
Coding change: c.1685C>A on transcript NM_000092.5 (MANE Select); coding-DNA position 1685, C replaced by A.
Protein change: p.Ser562Ter; replaces serine 562 with a stop codon.
Molecular consequence: nonsense.
Genome position (GRCh38, 1-based): chr2:227,082,126, G>T on the plus strand (C>A on the coding strand, the complement: COL4A4 is on the minus strand). VCF-style: chr2-227082126-G-T. GRCh37 (hg19) VCF-style: chr2-227946842-G-T.
Other names: short protein forms S562*.
Identifiers: ClinVar variation 984169 (VCV000984169.3), dbSNP rs2059358378, ClinGen allele CA350847592.